The following is an entry in ClinVar:

ClinVar aggregate classification (germline): Uncertain significance (1 of 4 stars; one submission).

Submission:

GeneDx
Classification: Uncertain significance. Last evaluated: 2019-05-17. Review status: criteria provided, single submitter. Criteria: GeneDx Variant Classification Process June 2021. Collection method: clinical testing. Allele origin: germline. Affected: yes.
Comment: Not observed in large population cohorts (Lek et al., 2016); In silico analysis, which includes protein predictors and evolutionary conservation, supports a deleterious effect; Has not been previously published as pathogenic or benign to our knowledge

NM_001080414.4(CCDC88C):c.1190T>C (p.Leu397Pro)

Gene: CCDC88C (coiled-coil domain containing 88C; minus strand). Cytogenetic location: 14q32.11.
Variant type: single nucleotide variant.
Coding change: c.1190T>C on transcript NM_001080414.4 (MANE Select); coding-DNA position 1190, T replaced by C.
Protein change: p.Leu397Pro; replaces leucine 397 with proline.
Molecular consequence: missense variant.
Genome position (GRCh38, 1-based): chr14:91,325,917, A>G on the plus strand (T>C on the coding strand, the complement: CCDC88C is on the minus strand). VCF-style: chr14-91325917-A-G. GRCh37 (hg19) VCF-style: chr14-91792261-A-G.
Other names: short protein forms L397P.
Identifiers: ClinVar variation 1305455 (VCV001305455.2), dbSNP rs2139831706, ClinGen allele CA390637242.